The following is an entry in ClinVar:

NM_001242896.3(DEPDC5):c.2785G>A (p.Gly929Ser)

Gene: DEPDC5 (DEP domain containing 5, GATOR1 subcomplex subunit; plus strand). Cytogenetic location: 22q12.3.
Variant type: single nucleotide variant.
Coding change: c.2785G>A on transcript NM_001242896.3 (MANE Select); coding-DNA position 2785, G replaced by A.
Protein change: p.Gly929Ser; replaces glycine 929 with serine.
Molecular consequence: missense variant. On other transcripts: non-coding transcript variant (5).
Genome position (GRCh38, 1-based): chr22:31,843,796, G>A. VCF-style: chr22-31843796-G-A. GRCh37 (hg19) VCF-style: chr22-32239782-G-A.
Other names: c.2758G>A, p.Gly920Ser (NM_001136029.4, NM_001369903.1, NM_014662.6); c.2551G>A, p.Gly851Ser (NM_001242897.2, NM_001363854.2, NM_001364319.2); c.2785G>A, p.Gly929Ser (NM_001363852.2, NM_001364318.2, NM_001364320.2); c.2701G>A, p.Gly901Ser (NM_001369901.1, NM_001369902.1); short protein forms G929S, G851S, G901S, G920S.
Identifiers: ClinVar variation 599003 (VCV000599003.6), dbSNP rs1569084151, ClinGen allele CA411290258.

ClinVar aggregate classification (germline): Uncertain significance. Review status: criteria provided, multiple submitters, no conflicts (2 of 4 stars). 2 submissions from 2 submitters: Uncertain significance (2). Last evaluated 2025-10-28.

Conditions:
Familial focal epilepsy with variable foci (FPEVF). Identifiers: Orphanet 98820, MedGen C1858477, MONDO:0020310.

Submissions (2):

Labcorp Genetics (formerly Invitae), Labcorp
Classification: Uncertain significance for Familial focal epilepsy with variable foci. Last evaluated: 2025-10-28. Review status: criteria provided, single submitter. Criteria: Invitae Variant Classification Sherloc (09022015). Collection method: clinical testing. Allele origin: germline.
Comment: This sequence change replaces glycine, which is neutral and non-polar, with serine, which is neutral and polar, at codon 929 of the DEPDC5 protein (p.Gly929Ser). This variant is not present in population databases (gnomAD no frequency). This missense change has been observed in individual(s) with DEPDC5-related conditions (PMID: 34587683). ClinVar contains an entry for this variant (Variation ID: 599003). Experimental studies and prediction algorithms are not available or were not evaluated, and the functional significance of this variant is currently unknown. In summary, the available evidence is currently insufficient to determine the role of this variant in disease. Therefore, it has been classified as a Variant of Uncertain Significance.

Center for Personalized Medicine, Children's Hospital Los Angeles
Classification: Uncertain significance. Last evaluated: 2018-11-19. Review status: criteria provided, single submitter. Criteria: ACMG Guidelines, 2015. Collection method: clinical testing. Allele origin: germline. Affected: yes.

Literature cited by the submitters: PubMed 34587683 (cited by Labcorp Genetics (formerly Invitae), Labcorp).